The following is an entry in ClinVar:

ClinVar aggregate classification (germline): Uncertain significance. Review status: criteria provided, multiple submitters, no conflicts (2 of 4 stars). 2 submissions from 2 submitters: Uncertain significance (2). Last evaluated 2025-05-09.

Conditions:
Inborn genetic diseases. Identifiers: MedGen C0950123, MeSH D030342.
Baller-Gerold syndrome (BGS). Also called: CRANIOSYNOSTOSIS WITH RADIAL DEFECTS. Identifiers: Orphanet 1225, MedGen C0265308, MONDO:0009039, OMIM 218600.

Allele frequency attached by ClinVar (database versions not stated): TOPMed below 0.00001; gnomAD 0.00001.
gnomAD v4.1: 4 of 1,612,992 alleles (0.00025%); highest among the groups gnomAD compares: African/African-American, 0.0013%; no homozygotes.

Submissions (2):

Ambry Genetics
Classification: Uncertain significance for Inborn genetic diseases. Last evaluated: 2025-05-09. Review status: criteria provided, single submitter. Criteria: Ambry Variant Classification Scheme 2023. Collection method: clinical testing. Allele origin: germline.
Comment: The p.D297N variant (also known as c.889G>A), located in coding exon 5 of the RECQL4 gene, results from a G to A substitution at nucleotide position 889. The aspartic acid at codon 297 is replaced by asparagine, an amino acid with highly similar properties. This amino acid position is conserved. In addition, this alteration is predicted to be tolerated by in silico analysis. Based on the available evidence, the clinical significance of this variant remains unclear.

Labcorp Genetics (formerly Invitae), Labcorp
Classification: Uncertain significance for Baller-Gerold syndrome. Last evaluated: 2018-07-09. Review status: criteria provided, single submitter. Criteria: Invitae Variant Classification Sherloc (09022015). Collection method: clinical testing. Allele origin: germline.
Comment: This sequence change replaces aspartic acid with asparagine at codon 297 of the RECQL4 protein (p.Asp297Asn). The aspartic acid residue is highly conserved and there is a small physicochemical difference between aspartic acid and asparagine. In summary, the available evidence is currently insufficient to determine the role of this variant in disease. Therefore, it has been classified as a Variant of Uncertain Significance. Algorithms developed to predict the effect of missense changes on protein structure and function are either unavailable or do not agree on the potential impact of this missense change (SIFT: "Tolerated"; PolyPhen-2: "Probably Damaging"; Align-GVGD: "Class C0"). This variant has not been reported in the literature in individuals with RECQL4-related disease. This variant is not present in population databases (ExAC no frequency).

NM_004260.4(RECQL4):c.889G>A (p.Asp297Asn)

Gene: RECQL4 (RecQ like helicase 4; minus strand). Cytogenetic location: 8q24.3.
Variant type: single nucleotide variant.
Coding change: c.889G>A on transcript NM_004260.4 (MANE Select); coding-DNA position 889, G replaced by A.
Protein change: p.Asp297Asn; replaces aspartic acid 297 with asparagine.
Molecular consequence: missense variant.
Genome position (GRCh38, 1-based): chr8:144,516,230, C>T on the plus strand (G>A on the coding strand, the complement: RECQL4 is on the minus strand). VCF-style: chr8-144516230-C-T. GRCh37 (hg19) VCF-style: chr8-145741614-C-T.
Other names: short protein forms D297N.
Identifiers: ClinVar variation 658840 (VCV000658840.5), dbSNP rs767170672, ClinGen allele CA372688768.